The following is an entry in ClinVar:

NM_003467.3(CXCR4):c.982A>G (p.Ile328Val)

Gene: CXCR4 (C-X-C motif chemokine receptor 4; minus strand). Cytogenetic location: 2q22.1.
Variant type: single nucleotide variant.
Coding change: c.982A>G on transcript NM_003467.3 (MANE Select); coding-DNA position 982, A replaced by G.
Protein change: p.Ile328Val; replaces isoleucine 328 with valine.
Molecular consequence: missense variant.
Genome position (GRCh38, 1-based): chr2:136,114,946, T>C on the plus strand (A>G on the coding strand, the complement: CXCR4 is on the minus strand). VCF-style: chr2-136114946-T-C. GRCh37 (hg19) VCF-style: chr2-136872516-T-C.
Other names: c.994A>G, p.Ile332Val (NM_001008540.2); c.1195A>G, p.Ile399Val (NM_001348056.2); c.1081A>G, p.Ile361Val (NM_001348059.2); c.937A>G, p.Ile313Val (NM_001348060.2); short protein forms I361V, I399V, I313V, I332V, I328V.
Identifiers: ClinVar variation 4728844 (VCV004728844.1).

ClinVar aggregate classification (germline): Uncertain significance (1 of 4 stars; one submission).

Conditions:
Warts, hypogammaglobulinemia, infections, and myelokathexis. Also called: WHIM syndrome. Identifiers: MedGen C0472817, MONDO:0023880.

Submission:

Labcorp Genetics (formerly Invitae), Labcorp
Classification: Uncertain significance for Warts, hypogammaglobulinemia, infections, and myelokathexis. Last evaluated: 2025-10-09. Review status: criteria provided, single submitter. Criteria: Invitae Variant Classification Sherloc (09022015). Collection method: clinical testing. Allele origin: germline.
Comment: This sequence change replaces isoleucine, which is neutral and non-polar, with valine, which is neutral and non-polar, at codon 328 of the CXCR4 protein (p.Ile328Val). This variant is not present in population databases (gnomAD no frequency). This variant has not been reported in the literature in individuals affected with CXCR4-related conditions. An algorithm developed to predict the effect of missense changes on protein structure and function (PolyPhen-2) suggests that this variant is likely to be tolerated. In summary, the available evidence is currently insufficient to determine the role of this variant in disease. Therefore, it has been classified as a Variant of Uncertain Significance.